The following is an entry in ClinVar:

ClinVar aggregate classification (germline): Pathogenic (1 of 4 stars; one submission).

Submission:

Labcorp Genetics (formerly Invitae), Labcorp
Classification: Pathogenic. Last evaluated: 2022-08-23. Review status: criteria provided, single submitter. Criteria: Invitae Variant Classification Sherloc (09022015). Collection method: clinical testing. Allele origin: germline.
Comment: For these reasons, this variant has been classified as Pathogenic. This variant disrupts a region of the NRL protein in which other variant(s) (p.Cys219Valfs*4) have been determined to be pathogenic (PMID: 17335001, 22334370, 29385733). This suggests that this is a clinically significant region of the protein, and that variants that disrupt it are likely to be disease-causing. ClinVar contains an entry for this variant (Variation ID: 1395570). This variant has not been reported in the literature in individuals affected with NRL-related conditions. This variant is not present in population databases (gnomAD no frequency). This sequence change creates a premature translational stop signal (p.Ser117Alafs*29) in the NRL gene. While this is not anticipated to result in nonsense mediated decay, it is expected to disrupt the last 121 amino acid(s) of the NRL protein.

Literature cited by the submitters: PubMed 17335001; PubMed 22334370; PubMed 29385733.

NM_001354768.3(NRL):c.348del (p.Ser117fs)

Gene: NRL (neural retina leucine zipper; minus strand). Cytogenetic location: 14q11.2.
Variant type: Deletion.
Coding change: c.348del on transcript NM_001354768.3 (MANE Select); coding-DNA position 348, one base deleted (G; older notation c.348delG).
Protein change: p.Ser117fs; shifts the reading frame from serine 117.
Molecular consequence: frameshift variant. On other transcripts: intron variant (1).
Genome position (GRCh38, 1-based): chr14:24,082,501, C deleted on the plus strand (G on the coding strand, the reverse complement: NRL is on the minus strand); the first of 3 consecutive C bases (chr14:24,082,501-24,082,503); deleting any one gives the same sequence. VCF-style (leftmost placement, unchanged base first): chr14-24082500-TC-T. GRCh37 (hg19) VCF-style: chr14-24551709-TC-T.
Other names: c.348del, p.Ser117fs (NM_001354769.1, NM_006177.5); c.66+282del (NM_001354770.2); short protein forms S117fs.
Identifiers: ClinVar variation 1395570 (VCV001395570.8), dbSNP rs2138874584, ClinGen allele CA2573149791.